The following is an entry in ClinVar:

NM_003737.4(DCHS1):c.4373T>G (p.Phe1458Cys)

Gene: DCHS1 (dachsous cadherin-related 1; minus strand). Cytogenetic location: 11p15.4.
Variant type: single nucleotide variant.
Coding change: c.4373T>G on transcript NM_003737.4 (MANE Select); coding-DNA position 4373, T replaced by G.
Protein change: p.Phe1458Cys; replaces phenylalanine 1458 with cysteine.
Molecular consequence: missense variant.
Genome position (GRCh38, 1-based): chr11:6,630,421, A>C on the plus strand (T>G on the coding strand, the complement: DCHS1 is on the minus strand). VCF-style: chr11-6630421-A-C. GRCh37 (hg19) VCF-style: chr11-6651652-A-C.
Other names: short protein forms F1458C.
Identifiers: ClinVar variation 2126506 (VCV002126506.4), dbSNP rs1485251880, ClinGen allele CA379405567.

ClinVar aggregate classification (germline): Uncertain significance (1 of 4 stars; one submission).

Submission:

Labcorp Genetics (formerly Invitae), Labcorp
Classification: Uncertain significance. Last evaluated: 2022-04-15. Review status: criteria provided, single submitter. Criteria: Invitae Variant Classification Sherloc (09022015). Collection method: clinical testing. Allele origin: germline.
Comment: In summary, the available evidence is currently insufficient to determine the role of this variant in disease. Therefore, it has been classified as a Variant of Uncertain Significance. Algorithms developed to predict the effect of missense changes on protein structure and function (SIFT, PolyPhen-2, Align-GVGD) all suggest that this variant is likely to be disruptive. This variant has not been reported in the literature in individuals affected with DCHS1-related conditions. This variant is not present in population databases (gnomAD no frequency). This sequence change replaces phenylalanine, which is neutral and non-polar, with cysteine, which is neutral and slightly polar, at codon 1458 of the DCHS1 protein (p.Phe1458Cys).